The following is an entry in ClinVar:

NM_172240.3(POC1B):c.967C>T (p.Pro323Ser)

Genes: POC1B (POC1 centriolar protein B; minus strand), POC1B-DUSP6 (POC1B-DUSP6 readthrough; minus strand). Cytogenetic location: 12q21.33.
Variant type: single nucleotide variant.
Coding change: c.967C>T on transcript NM_172240.3 (MANE Select); coding-DNA position 967, C replaced by T.
Protein change: p.Pro323Ser; replaces proline 323 with serine.
Molecular consequence: missense variant. On other transcripts: non-coding transcript variant (2).
Genome position (GRCh38, 1-based): chr12:89,466,835, G>A on the plus strand (C>T on the coding strand, the complement: POC1B is on the minus strand). VCF-style: chr12-89466835-G-A. GRCh37 (hg19) VCF-style: chr12-89860612-G-A.
Other names: c.841C>T, p.Pro281Ser (NM_001199777.2); short protein forms P323S, P281S.
Identifiers: ClinVar variation 1497066 (VCV001497066.6), dbSNP rs1882705084, ClinGen allele CA385993845.

ClinVar aggregate classification (germline): Uncertain significance (1 of 4 stars; one submission).

Allele frequency attached by ClinVar (database versions not stated): gnomAD 0.00001.
gnomAD v4.1: 1 of 1,613,060 alleles (0.000062%); highest among the groups gnomAD compares: Admixed American, 0.0017%; no homozygotes.

Submission:

Labcorp Genetics (formerly Invitae), Labcorp
Classification: Uncertain significance. Last evaluated: 2026-01-26. Review status: criteria provided, single submitter. Criteria: Invitae Variant Classification Sherloc (09022015). Collection method: clinical testing. Allele origin: germline.
Comment: This sequence change replaces proline, which is neutral and non-polar, with serine, which is neutral and polar, at codon 323 of the POC1B protein (p.Pro323Ser). This variant is not present in population databases (gnomAD no frequency). This variant has not been reported in the literature in individuals affected with POC1B-related conditions. ClinVar contains an entry for this variant (Variation ID: 1497066). Invitae Evidence Modeling of protein sequence and biophysical properties (such as structural, functional, and spatial information, amino acid conservation, physicochemical variation, residue mobility, and thermodynamic stability) indicates that this missense variant is not expected to disrupt POC1B protein function with a negative predictive value of 80%. In summary, the available evidence is currently insufficient to determine the role of this variant in disease. Therefore, it has been classified as a Variant of Uncertain Significance.